The following is an entry in ClinVar:

NM_001204.7(BMPR2):c.1386C>G (p.Phe462Leu)

Gene: BMPR2 (bone morphogenetic protein receptor type 2; plus strand). Cytogenetic location: 2q33.2.
Variant type: single nucleotide variant.
Coding change: c.1386C>G on transcript NM_001204.7 (MANE Select); coding-DNA position 1386, C replaced by G.
Protein change: p.Phe462Leu; replaces phenylalanine 462 with leucine.
Molecular consequence: missense variant.
Genome position (GRCh38, 1-based): chr2:202,542,420, C>G. VCF-style: chr2-202542420-C-G. GRCh37 (hg19) VCF-style: chr2-203407143-C-G.
Other names: short protein forms F462L.
Identifiers: ClinVar variation 4827196 (VCV004827196.1).

ClinVar aggregate classification (germline): Uncertain significance (1 of 4 stars; one submission).

Conditions:
Inborn genetic diseases. Identifiers: MedGen C0950123, MeSH D030342.

Submission:

Ambry Genetics
Classification: Uncertain significance for Inborn genetic diseases. Last evaluated: 2026-03-12. Review status: criteria provided, single submitter. Criteria: Ambry Variant Classification Scheme 2023. Collection method: clinical testing. Allele origin: germline.
Comment: The p.F462L variant (also known as c.1386C>G), located in coding exon 10 of the BMPR2 gene, results from a C to G substitution at nucleotide position 1386. The phenylalanine at codon 462 is replaced by leucine, an amino acid with highly similar properties. This amino acid position is conserved. In addition, the in silico prediction for this alteration is inconclusive. Based on the available evidence, the clinical significance of this variant remains unclear.